The following is an entry in ClinVar:

NM_000478.6(ALPL):c.887A>C (p.Gln296Pro)

Gene: ALPL (alkaline phosphatase, biomineralization associated; plus strand). Cytogenetic location: 1p36.12.
Variant type: single nucleotide variant.
Coding change: c.887A>C on transcript NM_000478.6 (MANE Select); coding-DNA position 887, A replaced by C.
Protein change: p.Gln296Pro; replaces glutamine 296 with proline.
Molecular consequence: missense variant.
Genome position (GRCh38, 1-based): chr1:21,573,689, A>C. VCF-style: chr1-21573689-A-C. GRCh37 (hg19) VCF-style: chr1-21900182-A-C.
Other names: c.722A>C, p.Gln241Pro (NM_001127501.4); c.656A>C, p.Gln219Pro (NM_001177520.3); c.887A>C, p.Gln296Pro (NM_001369803.2, NM_001369804.2, NM_001369805.2); short protein forms Q219P, Q241P, Q296P.
Identifiers: ClinVar variation 1717170 (VCV001717170.5), dbSNP rs747637927, ClinGen allele CA338880215.

ClinVar aggregate classification (germline): Uncertain significance (1 of 4 stars; one submission).

Submission:

Labcorp Genetics (formerly Invitae), Labcorp
Classification: Uncertain significance. Last evaluated: 2025-01-23. Review status: criteria provided, single submitter. Criteria: Invitae Variant Classification Sherloc (09022015). Collection method: clinical testing. Allele origin: germline.
Comment: This sequence change replaces glutamine, which is neutral and polar, with proline, which is neutral and non-polar, at codon 296 of the ALPL protein (p.Gln296Pro). This variant is not present in population databases (gnomAD no frequency). This variant has not been reported in the literature in individuals affected with ALPL-related conditions. ClinVar contains an entry for this variant (Variation ID: 1717170). Invitae Evidence Modeling of protein sequence and biophysical properties (such as structural, functional, and spatial information, amino acid conservation, physicochemical variation, residue mobility, and thermodynamic stability) has been performed for this missense variant. However, the output from this modeling did not meet the statistical confidence thresholds required to predict the impact of this variant on ALPL protein function. In summary, the available evidence is currently insufficient to determine the role of this variant in disease. Therefore, it has been classified as a Variant of Uncertain Significance.